The following is an entry in ClinVar:

ClinVar aggregate classification (germline): Uncertain significance (1 of 4 stars; one submission).

Conditions:
Familial thoracic aortic aneurysm and aortic dissection (TAAD). Also called: Thoracic aortic aneurysms and dissections. Identifiers: Orphanet 91387, MedGen C4707243, MONDO:0019625.

Submission:

Labcorp Genetics (formerly Invitae), Labcorp
Classification: Uncertain significance for Familial thoracic aortic aneurysm and aortic dissection. Last evaluated: 2020-05-12. Review status: criteria provided, single submitter. Criteria: Invitae Variant Classification Sherloc (09022015). Collection method: clinical testing. Allele origin: germline.
Comment: This sequence change replaces methionine with isoleucine at codon 425 of the TGFBR2 protein (p.Met425Ile). The methionine residue is highly conserved and there is a small physicochemical difference between methionine and isoleucine. This variant is not present in population databases (ExAC no frequency). This variant has not been reported in the literature in individuals with TGFBR2-related conditions. Algorithms developed to predict the effect of missense changes on protein structure and function are either unavailable or do not agree on the potential impact of this missense change (SIFT: Deleterious; PolyPhen-2: Probably Damaging; Align-GVGD: Class C0). In summary, the available evidence is currently insufficient to determine the role of this variant in disease. Therefore, it has been classified as a Variant of Uncertain Significance.

NM_003242.6(TGFBR2):c.1275G>T (p.Met425Ile)

Gene: TGFBR2 (transforming growth factor beta receptor 2; plus strand). Cytogenetic location: 3p24.1.
Variant type: single nucleotide variant.
Coding change: c.1275G>T on transcript NM_003242.6 (MANE Select); coding-DNA position 1275, G replaced by T.
Protein change: p.Met425Ile; replaces methionine 425 with isoleucine.
Molecular consequence: missense variant.
Genome position (GRCh38, 1-based): chr3:30,674,125, G>T. VCF-style: chr3-30674125-G-T. GRCh37 (hg19) VCF-style: chr3-30715617-G-T.
Other names: c.1350G>T, p.Met450Ile (NM_001024847.3); c.1458G>T, p.Met486Ile (NM_001407126.1); c.1383G>T, p.Met461Ile (NM_001407127.1); c.1302G>T, p.Met434Ile (NM_001407128.1); c.1278G>T, p.Met426Ile (NM_001407129.1); c.1275G>T, p.Met425Ile (NM_001407130.1); c.1170G>T, p.Met390Ile (NM_001407132.1, NM_001407133.1, NM_001407134.1 and 2 more transcripts); c.990G>T, p.Met330Ile (NM_001407137.1); and 1 more; short protein forms M425I, M450I, M305I, M330I, M390I, M426I, M486I, M434I.
Identifiers: ClinVar variation 1035288 (VCV001035288.2), dbSNP rs1699391960, ClinGen allele CA351808911.